The following is an entry in ClinVar:

ClinVar aggregate classification (germline): Uncertain significance (1 of 4 stars; one submission).

Conditions:
Autosomal dominant nocturnal frontal lobe epilepsy 5. Also called: Epilepsy, nocturnal frontal lobe, 5; CILIARY DYSKINESIA, PRIMARY, 28, WITHOUT SITUS INVERSUS; CILIARY DYSKINESIA, PRIMARY, 28, WITH SITUS INVERSUS; KCNT1-Related Epilepsy. Identifiers: Orphanet 98784, MedGen C3554306, MONDO:0014002, OMIM 615005.
Developmental and epileptic encephalopathy, 14 (DEE14). Also called: Early infantile epileptic encephalopathy 14. Identifiers: Orphanet 293181, MedGen C3554195, MONDO:0013989, OMIM 614959.

Allele frequency attached by ClinVar (database versions not stated): gnomAD exomes below 0.00001.
gnomAD v4.1: 1 of 1,324,344 alleles (0.000076%); highest among the groups gnomAD compares: Non-Finnish European, 0.000098%; no homozygotes.

Submission:

Labcorp Genetics (formerly Invitae), Labcorp
Classification: Uncertain significance for Autosomal dominant nocturnal frontal lobe epilepsy 5; Developmental and epileptic encephalopathy, 14. Last evaluated: 2022-05-09. Review status: criteria provided, single submitter. Criteria: Invitae Variant Classification Sherloc (09022015). Collection method: clinical testing. Allele origin: germline.
Comment: In summary, the available evidence is currently insufficient to determine the role of this variant in disease. Therefore, it has been classified as a Variant of Uncertain Significance. Algorithms developed to predict the effect of missense changes on protein structure and function output the following: SIFT: "Tolerated"; PolyPhen-2: "Benign"; Align-GVGD: "Class C0". The leucine amino acid residue is found in multiple mammalian species, which suggests that this missense change does not adversely affect protein function. This variant has not been reported in the literature in individuals affected with KCNT1-related conditions. This variant is not present in population databases (gnomAD no frequency). This sequence change replaces arginine, which is basic and polar, with leucine, which is neutral and non-polar, at codon 38 of the KCNT1 protein (p.Arg38Leu).

NM_020822.3(KCNT1):c.113G>T (p.Arg38Leu)

Gene: KCNT1 (potassium sodium-activated channel subfamily T member 1; plus strand). Cytogenetic location: 9q34.3.
Variant type: single nucleotide variant.
Coding change: c.113G>T on transcript NM_020822.3 (MANE Select); coding-DNA position 113, G replaced by T.
Protein change: p.Arg38Leu; replaces arginine 38 with leucine.
Molecular consequence: missense variant. On other transcripts: intron variant (1).
Genome position (GRCh38, 1-based): chr9:135,714,579, G>T. VCF-style: chr9-135714579-G-T. GRCh37 (hg19) VCF-style: chr9-138606425-G-T.
Other names: c.110+12211G>T (NM_001272003.2); short protein forms R38L.
Identifiers: ClinVar variation 1948360 (VCV001948360.5), dbSNP rs2490604606, ClinGen allele CA375493189.